The following is an entry in ClinVar:

ClinVar aggregate classification (germline): Uncertain significance (1 of 4 stars; one submission).

Submission:

Labcorp Genetics (formerly Invitae), Labcorp
Classification: Uncertain significance. Last evaluated: 2025-07-07. Review status: criteria provided, single submitter. Criteria: Invitae Variant Classification Sherloc (09022015). Collection method: clinical testing. Allele origin: germline.
Comment: This variant, c.360_362del, results in the deletion of 1 amino acid(s) of the SON protein (p.Lys123del), but otherwise preserves the integrity of the reading frame. This variant is not present in population databases (gnomAD no frequency). This variant has not been reported in the literature in individuals affected with SON-related conditions. Experimental studies and prediction algorithms are not available or were not evaluated, and the functional significance of this variant is currently unknown. In summary, the available evidence is currently insufficient to determine the role of this variant in disease. Therefore, it has been classified as a Variant of Uncertain Significance.

NM_138927.4(SON):c.360_362del (p.Lys123del)

Gene: SON (SON DNA and RNA binding protein; plus strand). Cytogenetic location: 21q22.11.
Variant type: Deletion.
Coding change: c.360_362del on transcript NM_138927.4 (MANE Select); coding-DNA positions 360 to 362, 3 bases deleted (AAA; older notation c.360_362delAAA).
Protein change: p.Lys123del; deletes lysine 123.
Molecular consequence: inframe deletion. On other transcripts: non-coding transcript variant (1), intron variant (1).
Genome position (GRCh38, 1-based): chr21:33,549,591-33,549,593, AAA deleted; deleting any 3 consecutive bases within chr21:33,549,589-33,549,593 gives the same sequence; the c. name uses the placement nearest the transcript's 3' end. VCF-style (leftmost placement, unchanged base first): chr21-33549588-GAAA-G. GRCh37 (hg19) VCF-style: chr21-34921894-GAAA-G.
Other names: c.360_362del, p.Lys123del (NM_001291411.2, NM_032195.3); c.244+3212_244+3214del (NM_001291412.3); short protein forms K123del.
Identifiers: ClinVar variation 4720832 (VCV004720832.1).